The following is an entry in ClinVar:

NM_001267550.2(TTN):c.101290G>A (p.Ala33764Thr)

Genes: TTN-AS1 (TTN antisense RNA 1; plus strand), TTN (titin; minus strand). Cytogenetic location: 2q31.2.
Variant type: single nucleotide variant.
Coding change: c.101290G>A on transcript NM_001267550.2 (MANE Select); coding-DNA position 101290, G replaced by A.
Protein change: p.Ala33764Thr; replaces alanine 33764 with threonine.
Molecular consequence: missense variant.
Genome position (GRCh38, 1-based): chr2:178,535,325, C>T on the plus strand (G>A on the coding strand, the complement: TTN is on the minus strand). VCF-style: chr2-178535325-C-T. GRCh37 (hg19) VCF-style: chr2-179400052-C-T.
Other names: c.96367G>A, p.Ala32123Thr (NM_001256850.1); c.74095G>A, p.Ala24699Thr (NM_003319.4); c.93586G>A, p.Ala31196Thr (NM_133378.4); c.74470G>A, p.Ala24824Thr (NM_133432.3); c.74671G>A, p.Ala24891Thr (NM_133437.4); short protein forms A24699T, A24824T, A24891T, A32123T, A31196T, A33764T.
Identifiers: ClinVar variation 4790616 (VCV004790616.1).

ClinVar aggregate classification (germline): Uncertain significance (1 of 4 stars; one submission).

Conditions:
Autosomal recessive limb-girdle muscular dystrophy type 2J (LGMDR10). Also called: Limb-girdle muscular dystrophy, type 2J; MUSCULAR DYSTROPHY, LIMB-GIRDLE, AUTOSOMAL RECESSIVE 10. Identifiers: Orphanet 140922, MedGen C1837342, MONDO:0012127, OMIM 608807.
Dilated cardiomyopathy 1G (CMD1G). Identifiers: Orphanet 154, MedGen C1858763, MONDO:0011400, OMIM 604145.

Submission:

Labcorp Genetics (formerly Invitae), Labcorp
Classification: Uncertain significance for Dilated cardiomyopathy 1G; Autosomal recessive limb-girdle muscular dystrophy type 2J. Last evaluated: 2025-06-15. Review status: criteria provided, single submitter. Criteria: Invitae Variant Classification Sherloc (09022015). Collection method: clinical testing. Allele origin: germline.
Comment: This sequence change replaces alanine, which is neutral and non-polar, with threonine, which is neutral and polar, at codon 33764 of the TTN protein (p.Ala33764Thr). This variant is not present in population databases (gnomAD no frequency). This variant has not been reported in the literature in individuals affected with TTN-related conditions. Experimental studies and prediction algorithms are not available or were not evaluated, and the functional significance of this variant is currently unknown. This variant is located in the M band of TTN (PMID: 25589632). Non-truncating variants in this region may be relevant for neuromuscular disorders, but have not been definitively shown to cause cardiomyopathy (PMID: 23975875). In summary, the available evidence is currently insufficient to determine the role of this variant in disease. Therefore, it has been classified as a Variant of Uncertain Significance.

Literature cited by the submitters: PubMed 25589632; PubMed 23975875.